The following is an entry in ClinVar:

ClinVar aggregate classification (germline): Uncertain significance (1 of 4 stars; one submission).

Submission:

Women's Health and Genetics/Laboratory Corporation of America, LabCorp
Classification: Uncertain significance. Last evaluated: 2025-01-21. Review status: criteria provided, single submitter. Criteria: LabCorp Variant Classification Summary - May 2015. Collection method: clinical testing. Allele origin: germline.
Comment: Variant summary: COL4A3 c.279+6T>C alters a conserved nucleotide located close to a canonical splice site and therefore could affect mRNA splicing, leading to a significantly altered protein sequence. Several computational tools predict a significant impact on normal splicing: Three predict the variant weakens a canonical 5' donor site. However, these predictions have yet to be confirmed by functional studies. The variant was absent in 249350 control chromosomes. The available data on variant occurrences in the general population are insufficient to allow any conclusion about variant significance. c.279+6T>C has been reported in the literature in a compound heterozygous individual affected with Alport Syndrome, Autosomal Recessive (Zhang_2021) and a heterozygous individual affected with hematuria (Schapiro_2018). These data do not allow any conclusion about variant significance. To our knowledge, no experimental evidence demonstrating an impact on protein function has been reported. The following publications have been ascertained in the context of this evaluation (PMID: 30295827, 33772369). No submitters have cited clinical-significance assessments for this variant to ClinVar. Based on the evidence outlined above, the variant was classified as uncertain significance.

Literature cited by the submitters: PubMed 30295827; PubMed 33772369.

NM_000091.5(COL4A3):c.279+6T>C

Genes: COL4A3 (collagen type IV alpha 3 chain; plus strand), MFF-DT (MFF divergent transcript; minus strand). Cytogenetic location: 2q36.3.
Variant type: single nucleotide variant.
Coding change: c.279+6T>C on transcript NM_000091.5 (MANE Select); 6 bases into the intron after coding-DNA position 279, T replaced by C.
Molecular consequence: intron variant.
Genome position (GRCh38, 1-based): chr2:227,244,370, T>C. VCF-style: chr2-227244370-T-C. GRCh37 (hg19) VCF-style: chr2-228109086-T-C.
Identifiers: ClinVar variation 3769507 (VCV003769507.2).